The following is an entry in ClinVar:

ClinVar aggregate classification (germline): Uncertain significance (3 of 4 stars; one submission).

Conditions:
Open-angle glaucoma. Identifiers: MedGen C0017612, MONDO:0005338, HP:0012108.

Submission:

ClinGen Glaucoma Variant Curation Expert Panel
Classification: Uncertain significance for Open-angle glaucoma. Last evaluated: 2025-11-12. Review status: reviewed by expert panel. Criteria: ClinGen Glaucoma ACMG Specifications V2.0.0 Approved. Collection method: curation. Allele origin: germline. Inheritance: Autosomal dominant inheritance.
Comment: The c.384G>C variant in MYOC is a synonymous variant (p.Arg128=). This variant was not found in any genetic ancestry group of gnomAD (v4.1.0), meeting the ≤ 0.0001 threshold set for PM2_Supporting in a genetic ancestry group of at least 10,000 alleles. The SpliceAI score = 0, which met the ≤ 0.1 threshold for BP4, suggesting that the variant does not impact MYOC function. This synonymous variant meets BP4, so BP7 is met. There was no functional evidence predicting a damaging or benign impact of this variant on MYOC function. Only 1 proband with primary open angle glaucoma had been reported (PMID: 16148883), not meeting the ≥ 2 probands threshold required to meet PS4_Supporting. In summary, this variant met the criteria to receive a score of -1 and to be classified as a variant of uncertain significance (uncertain significance classification range -1 to 5, adapted from PMID: 32720330) for primary open angle glaucoma based on the ACMG/AMP criteria met, as specified by the ClinGen Glaucoma VCEP (v2.0.0, 5 Dec 2024): PM2_Supporting, BP4, BP7

NM_000261.2(MYOC):c.384G>C (p.Arg128=)

Gene: MYOC (myocilin; minus strand). Cytogenetic location: 1q24.3.
Variant type: single nucleotide variant.
Coding change: c.384G>C on transcript NM_000261.2 (MANE Select); coding-DNA position 384, G replaced by C.
Protein change: p.Arg128=; no amino-acid change (arginine 128 retained).
Molecular consequence: synonymous variant.
Genome position (GRCh38, 1-based): chr1:171,652,228, C>G on the plus strand (G>C on the coding strand, the complement: MYOC is on the minus strand). VCF-style: chr1-171652228-C-G. GRCh37 (hg19) VCF-style: chr1-171621368-C-G.
Other names: NM_000261.2:c.384G>C.
Identifiers: ClinVar variation 2505289 (VCV002505289.2), dbSNP rs772609373, ClinGen allele CA1244285.